The following is an entry in ClinVar:

ClinVar aggregate classification (germline): Likely pathogenic (1 of 4 stars; one submission).

Conditions:
Breast-ovarian cancer, familial, susceptibility to, 4. Identifiers: Orphanet 145, MedGen C3280345, MONDO:0013669, OMIM 614291.

Submission:

Labcorp Genetics (formerly Invitae), Labcorp
Classification: Likely pathogenic for Breast-ovarian cancer, familial, susceptibility to, 4. Last evaluated: 2025-10-04. Review status: criteria provided, single submitter. Criteria: Invitae Variant Classification Sherloc (09022015). Collection method: clinical testing. Allele origin: germline.
Comment: This sequence change affects a donor splice site in intron 3 of the RAD51D gene. It is expected to disrupt RNA splicing. Variants that disrupt the donor or acceptor splice site typically lead to a loss of protein function (PMID: 16199547), and loss-of-function variants in RAD51D are known to be pathogenic (PMID: 21822267). This variant is not present in population databases (gnomAD no frequency). Disruption of this splice site has been observed in individual(s) with exocrine pancreatic neoplasm, breast cancer and/or ovarian cancer (PMID: 26261251, 29506128, 32107557). Studies have shown that disruption of this splice site is associated with inconclusive levels of altered splicing (internal data). In summary, the currently available evidence indicates that the variant is pathogenic, but additional data are needed to prove that conclusively. Therefore, this variant has been classified as Likely Pathogenic.

Literature cited by the submitters: PubMed 16199547; PubMed 21822267; PubMed 26261251; PubMed 29506128; PubMed 32107557.

NM_002878.4(RAD51D):c.263+1G>C

Genes: RAD51D (RAD51 paralog D; minus strand), RAD51L3-RFFL (RAD51L3-RFFL readthrough; minus strand). Cytogenetic location: 17q12.
Variant type: single nucleotide variant.
Coding change: c.263+1G>C on transcript NM_002878.4 (MANE Select); the canonical splice donor site of the intron after coding-DNA position 263, G replaced by C.
Molecular consequence: splice donor variant. On other transcripts: intron variant (2).
Genome position (GRCh38, 1-based): chr17:35,118,500, C>G on the plus strand (G>C on the coding strand, the complement: RAD51D is on the minus strand). VCF-style: chr17-35118500-C-G. GRCh37 (hg19) VCF-style: chr17-33445519-C-G.
Other names: c.144+611G>C (NM_133629.3, NM_001142571.2).
Identifiers: ClinVar variation 4728456 (VCV004728456.1).